The following is an entry in ClinVar:

ClinVar aggregate classification (germline): Uncertain significance (1 of 4 stars; one submission).

Conditions:
Severe combined immunodeficiency due to DNA-PKcs deficiency. Also called: IMMUNODEFICIENCY 26 WITH NEUROLOGIC ABNORMALITIES; Immunodeficiency 26 with or without neurologic abnormalities. Identifiers: Orphanet 317425, MedGen C4014833, MONDO:0014423, OMIM 615966.

Allele frequency attached by ClinVar (database versions not stated): gnomAD exomes below 0.00001.
gnomAD v4.1: 2 of 1,589,532 alleles (0.00013%); highest among the groups gnomAD compares: South Asian, 0.0023%; no homozygotes.

Submission:

Labcorp Genetics (formerly Invitae), Labcorp
Classification: Uncertain significance for Severe combined immunodeficiency due to DNA-PKcs deficiency. Last evaluated: 2022-11-15. Review status: criteria provided, single submitter. Criteria: Invitae Variant Classification Sherloc (09022015). Collection method: clinical testing. Allele origin: germline.
Comment: In summary, the available evidence is currently insufficient to determine the role of this variant in disease. Therefore, it has been classified as a Variant of Uncertain Significance. Advanced modeling of protein sequence and biophysical properties (such as structural, functional, and spatial information, amino acid conservation, physicochemical variation, residue mobility, and thermodynamic stability) performed at Invitae indicates that this missense variant is expected to disrupt PRKDC protein function. ClinVar contains an entry for this variant (Variation ID: 658561). This variant has not been reported in the literature in individuals affected with PRKDC-related conditions. This variant is not present in population databases (gnomAD no frequency). This sequence change replaces serine, which is neutral and polar, with tyrosine, which is neutral and polar, at codon 60 of the PRKDC protein (p.Ser60Tyr).

NM_006904.7(PRKDC):c.179C>A (p.Ser60Tyr)

Gene: PRKDC (protein kinase, DNA-activated, catalytic subunit; minus strand). Cytogenetic location: 8q11.21.
Variant type: single nucleotide variant.
Coding change: c.179C>A on transcript NM_006904.7 (MANE Select); coding-DNA position 179, C replaced by A.
Protein change: p.Ser60Tyr; replaces serine 60 with tyrosine.
Molecular consequence: missense variant.
Genome position (GRCh38, 1-based): chr8:47,957,407, G>T on the plus strand (C>A on the coding strand, the complement: PRKDC is on the minus strand). VCF-style: chr8-47957407-G-T. GRCh37 (hg19) VCF-style: chr8-48869967-G-T.
Other names: c.179C>A, p.Ser60Tyr (NM_001081640.2); short protein forms S60Y.
Identifiers: ClinVar variation 658561 (VCV000658561.7), dbSNP rs1589820799, ClinGen allele CA371141686.